The following is an entry in ClinVar:

NM_004370.6(COL12A1):c.1028T>G (p.Met343Arg)

Gene: COL12A1 (collagen type XII alpha 1 chain; minus strand). Cytogenetic location: 6q13.
Variant type: single nucleotide variant.
Coding change: c.1028T>G on transcript NM_004370.6 (MANE Select); coding-DNA position 1028, T replaced by G.
Protein change: p.Met343Arg; replaces methionine 343 with arginine.
Molecular consequence: missense variant. On other transcripts: intron variant (2).
Genome position (GRCh38, 1-based): chr6:75,184,114, A>C on the plus strand (T>G on the coding strand, the complement: COL12A1 is on the minus strand). VCF-style: chr6-75184114-A-C. GRCh37 (hg19) VCF-style: chr6-75893830-A-C.
Other names: c.1028T>G, p.Met343Arg (NM_001424113.1, NM_001424114.1, NM_001424115.1); c.73+18606T>G (NM_001424116.1, NM_080645.3); short protein forms M343R.
Identifiers: ClinVar variation 3758448 (VCV003758448.2).

ClinVar aggregate classification (germline): Uncertain significance (1 of 4 stars; one submission).

Conditions:
Ullrich congenital muscular dystrophy 2 (UCMD2). Identifiers: Orphanet 75840, MedGen C4225314, MONDO:0014654, OMIM 616470.
Bethlem myopathy 2 (BTHLM2). Identifiers: Orphanet 536516, Orphanet 610, MedGen C4225313, MONDO:0034022, OMIM 616471.

Submission:

Labcorp Genetics (formerly Invitae), Labcorp
Classification: Uncertain significance for Bethlem myopathy 2; Ullrich congenital muscular dystrophy 2. Last evaluated: 2025-02-12. Review status: criteria provided, single submitter. Criteria: Invitae Variant Classification Sherloc (09022015). Collection method: clinical testing. Allele origin: germline.
Comment: This sequence change replaces methionine, which is neutral and non-polar, with arginine, which is basic and polar, at codon 343 of the COL12A1 protein (p.Met343Arg). This variant is not present in population databases (gnomAD no frequency). This variant has not been reported in the literature in individuals affected with COL12A1-related conditions. Invitae Evidence Modeling of protein sequence and biophysical properties (such as structural, functional, and spatial information, amino acid conservation, physicochemical variation, residue mobility, and thermodynamic stability) indicates that this missense variant is not expected to disrupt COL12A1 protein function with a negative predictive value of 80%. Algorithms developed to predict the effect of sequence changes on RNA splicing suggest that this variant may disrupt the consensus splice site. In summary, the available evidence is currently insufficient to determine the role of this variant in disease. Therefore, it has been classified as a Variant of Uncertain Significance.